The following is an entry in ClinVar:

ClinVar aggregate classification (germline): Uncertain significance (1 of 4 stars; one submission).

Conditions:
Long QT syndrome (LQTS). Identifiers: MedGen C0023976, MeSH D008133, MONDO:0002442. Disease mechanism: loss of function. Inheritance: Various modes of inheritance.

Submission:

Labcorp Genetics (formerly Invitae), Labcorp
Classification: Uncertain significance for Long QT syndrome. Last evaluated: 2023-10-23. Review status: criteria provided, single submitter. Criteria: Invitae Variant Classification Sherloc (09022015). Collection method: clinical testing. Allele origin: germline.
Comment: This sequence change creates a premature translational stop signal (p.Val1061Trpfs*5) in the AKAP9 gene. It is expected to result in an absent or disrupted protein product. However, the current clinical and genetic evidence is not sufficient to establish whether loss-of-function variants in AKAP9 cause disease. This variant is not present in population databases (gnomAD no frequency). This variant has not been reported in the literature in individuals affected with AKAP9-related conditions. In summary, the available evidence is currently insufficient to determine the role of this variant in disease. Therefore, it has been classified as a Variant of Uncertain Significance.

NM_005751.5(AKAP9):c.3181_3182del (p.Val1061fs)

Gene: AKAP9 (A-kinase anchoring protein 9; plus strand). Cytogenetic location: 7q21.2.
Variant type: Deletion.
Coding change: c.3181_3182del on transcript NM_005751.5 (MANE Select); coding-DNA positions 3181 to 3182, 2 bases deleted (GT; older notation c.3181_3182delGT).
Protein change: p.Val1061fs; shifts the reading frame from valine 1061.
Molecular consequence: frameshift variant.
Genome position (GRCh38, 1-based): chr7:92,003,098-92,003,099, GT deleted; deleting any 2 consecutive bases within chr7:92,003,097-92,003,099 gives the same sequence; the c. name uses the placement nearest the transcript's 3' end. VCF-style (leftmost placement, unchanged base first): chr7-92003096-CTG-C. GRCh37 (hg19) VCF-style: chr7-91632410-CTG-C.
Other names: c.3181_3182del, p.Val1061fs (NM_147185.3); short protein forms V1061fs.
Identifiers: ClinVar variation 2727354 (VCV002727354.3), dbSNP rs2484696764, ClinGen allele CA2697557388.